The following is an entry in ClinVar:

NM_001130438.3(SPTAN1):c.3586C>G (p.Arg1196Gly)

Gene: SPTAN1 (spectrin alpha, non-erythrocytic 1; plus strand). Cytogenetic location: 9q34.11.
Variant type: single nucleotide variant.
Coding change: c.3586C>G on transcript NM_001130438.3 (MANE Select); coding-DNA position 3586, C replaced by G.
Protein change: p.Arg1196Gly; replaces arginine 1196 with glycine.
Molecular consequence: missense variant.
Genome position (GRCh38, 1-based): chr9:128,603,549, C>G. VCF-style: chr9-128603549-C-G. GRCh37 (hg19) VCF-style: chr9-131365828-C-G.
Other names: c.3526C>G, p.Arg1176Gly (NM_001195532.2, NM_001363765.2, NM_001375314.2); c.3586C>G, p.Arg1196Gly (NM_001363759.2, NM_001375310.1, NM_001375311.2 and 2 more transcripts); c.3622C>G, p.Arg1208Gly (NM_001375312.2, NM_001375318.1); c.3586C>G (NM_001130438.2); short protein forms R1176G, R1196G, R1208G.
Identifiers: ClinVar variation 1326904 (VCV001326904.3), dbSNP rs1156936601, ClinGen allele CA375062809.

ClinVar aggregate classification (germline): Uncertain significance (1 of 4 stars; one submission).

Conditions:
Inborn genetic diseases. Identifiers: MedGen C0950123, MeSH D030342.

Submission:

Ambry Genetics
Classification: Uncertain significance for Inborn genetic diseases. Last evaluated: 2026-05-20. Review status: criteria provided, single submitter. Criteria: Ambry Variant Classification Scheme 2023. Collection method: clinical testing. Allele origin: germline.